The following continues an entry in ClinVar:

NM_001164508.2(NEB):c.23989C>T (p.Arg7997Ter)

ClinVar aggregate classification (germline): Likely pathogenic. Likely pathogenic (1).

Submissions 11 to 27 of 27:

Blueprint Genetics
Classification: Likely pathogenic for NEB-related disorders. Last evaluated: 2024-11-21. Review status: criteria provided, single submitter. Criteria: ACMG Guidelines, 2015. Collection method: clinical testing. Allele origin: germline. Affected: yes. Observed: 5 variant alleles. Not counted in ClinVar's aggregate classification.

PreventionGenetics, part of Exact Sciences
Classification: Likely pathogenic for NEB-related condition. Last evaluated: 2024-10-29. Review status: criteria provided, single submitter. Criteria: ACMG Guidelines, 2015. Collection method: clinical testing. Allele origin: germline. Not counted in ClinVar's aggregate classification.
Comment: The NEB c.24094C>T variant is predicted to result in premature protein termination (p.Arg8032*). This variant has been reported in the heterozygous state in individuals in large genome-wide sequencing study and classified as likely pathogenic (Table S1, Capalbo et al. 2019. PubMed ID: 31589614; Dataset 1, Hou et al. 2020. PubMed ID: 31980526). This variant has also been reported with a second NEB variant in a pregnancy loss with fetal anomalies (Zhao et al. 2021. PubMed ID: 33100332). This variant is reported in 0.058% of alleles in individuals of European (Non-Finnish) descent in gnomAD. Nonsense variants in NEB are expected to be pathogenic, and this variant has been classified as pathogenic or likely pathogenic by several independent submitters to the ClinVar database. This variant is interpreted as likely pathogenic.

3billion
Classification: Pathogenic for Nemaline myopathy 2. Last evaluated: 2024-06-19. Review status: criteria provided, single submitter. Criteria: ACMG Guidelines, 2015. Collection method: clinical testing. Allele origin: germline. Affected: yes. Not counted in ClinVar's aggregate classification.
Comment: The variant is observed at an extremely low frequency in the gnomAD v4.0.0 dataset (total allele frequency: 0.031%). Predicted Consequence/Location: Stop-gained (nonsense): predicted to result in a loss or disruption of normal protein function through nonsense-mediated decay (NMD) or protein truncation. Multiple pathogenic variants are reported downstream of the variant. The variant has been reported at least twice as pathogenic with clinical assertions and evidence for the classification (ClinVar ID: VCV000373977). Therefore, this variant is classified as Pathogenic according to the recommendation of ACMG/AMP guideline.

Fulgent Genetics
Classification: Likely pathogenic for Nemaline myopathy 2; Arthrogryposis multiplex congenita 6. Last evaluated: 2024-04-12. Review status: criteria provided, single submitter. Criteria: ACMG Guidelines, 2015. Collection method: clinical testing. Allele origin: germline. Not counted in ClinVar's aggregate classification.

Baylor Genetics
Classification: Likely pathogenic for Arthrogryposis multiplex congenita 6. Last evaluated: 2024-03-27. Review status: criteria provided, single submitter. Criteria: ACMG Guidelines, 2015. Collection method: clinical testing. Allele origin: unknown. Not counted in ClinVar's aggregate classification.

Laboratory of Medical Genetics, National & Kapodistrian University of Athens
Classification: Pathogenic for Nemaline myopathy 2. Last evaluated: 2024-02-01. Review status: criteria provided, single submitter. Criteria: ACMG Guidelines, 2015. Collection method: curation. Allele origin: germline. Affected: no. Not counted in ClinVar's aggregate classification.

Mayo Clinic Laboratories, Mayo Clinic
Classification: Likely pathogenic. Last evaluated: 2023-12-08. Review status: criteria provided, single submitter. Criteria: ACMG Guidelines, 2015. Collection method: clinical testing. Allele origin: germline. Observed: 1 variant allele. Not counted in ClinVar's aggregate classification.
Comment: PM2_moderate, PVS1

Department of Pathology and Laboratory Medicine, Sinai Health System
Classification: Pathogenic for Arthrogryposis multiplex congenita 6; Nemaline myopathy 2. Last evaluated: 2022-11-10. Review status: criteria provided, single submitter. Criteria: ACMG Guidelines, 2015. Collection method: research. Allele origin: germline. Not counted in ClinVar's aggregate classification.

Victorian Clinical Genetics Services, Murdoch Childrens Research Institute
Classification: Pathogenic for Nemaline myopathy 2. Last evaluated: 2022-02-02. Review status: criteria provided, single submitter. Criteria: ACMG Guidelines, 2015. Collection method: clinical testing. Allele origin: germline. Inheritance: Autosomal recessive inheritance. Not counted in ClinVar's aggregate classification.
Comment: Based on the classification scheme VCGS_Germline_v1.3.4, this variant is classified as Pathogenic. Following criteria are met: 0102 - Loss of function is a known mechanism of disease in this gene and is associated with nemaline myopathy 2, autosomal recessive (MIM#256030). (I) 0106 - This gene is associated with autosomal recessive disease. (I) 0201 - Variant is predicted to cause nonsense-mediated decay (NMD) and loss of protein (premature termination codon is located at least 54 nucleotides upstream of the final exon-exon junction). In silico splice site analysis of this variant may also result in activation of a cryptic 5' splice site resulting in a frameshift (Splicing Diagnostics, Kids Neuroscience Centre). (SP) 0304 - Variant is present in gnomAD <0.01 for a recessive condition (v2: 62 heterozygotes, 0 homozygotes). (SP) 0701 - Other NMD-predicted variants comparable to the one identified in this case have very strong previous evidence for pathogenicity (ClinVar). (SP) 0801 - This variant has strong previous evidence of pathogenicity in unrelated individuals with nemaline myopathy 2, autosomal recessive (MIM#256030) (ClinVar). (SP) 0905 - No published segregation evidence has been identified for this variant. (I) 1007 - No published functional evidence has been identified for this variant. (I) Legend: (SP) - Supporting pathogenic, (I) - Information, (SB) - Supporting benign

Institute for Clinical Genetics, University Hospital TU Dresden, University Hospital TU Dresden
Classification: Pathogenic. Last evaluated: 2021-11-03. Review status: criteria provided, single submitter. Criteria: ACMG Guidelines, 2015. Collection method: clinical testing. Allele origin: germline. Not counted in ClinVar's aggregate classification.

Baylor Genetics
Classification: Likely pathogenic for Nemaline myopathy 2. Last evaluated: 2019-10-01. Review status: criteria provided, single submitter. Criteria: ACMG Guidelines, 2015. Collection method: clinical testing. Allele origin: unknown. Affected: yes. Not counted in ClinVar's aggregate classification.
Comment: This variant was determined to be likely pathogenic according to ACMG Guidelines, 2015 [PMID:25741868].

Institute of Human Genetics, University of Leipzig Medical Center
Classification: Pathogenic for Nemaline myopathy 2. Last evaluated: 2019-01-01. Review status: criteria provided, single submitter. Criteria: ACMG Guidelines, 2015. Collection method: clinical testing. Allele origin: unknown. Affected: yes. Not counted in ClinVar's aggregate classification.

Rady Children's Institute for Genomic Medicine, Rady Children's Hospital San Diego
Classification: Likely pathogenic for NEMALINE MYOPATHY 2. Last evaluated: 2018-10-04. Review status: criteria provided, single submitter. Criteria: ACMG Guidelines, 2015. Collection method: clinical testing. Allele origin: germline. Affected: yes. Observed: 1 variant allele. Not counted in ClinVar's aggregate classification.
Comment: This nonsense variant found in exon 168 of 182 is predicted to result in loss of normal protein function. It is present in the heterozygous state in the gnomAD population database at a frequency of 0.03% (61/183470) and thus is presumed to be rare. This variant has been classified as likely pathogenic by several clinical diagnostic labs in the ClinVar database (Variation ID: 373977). Based on the available evidence, the c.23989C>T (p.Arg7997Ter) variant is classified as likely pathogenic.

Centre for Mendelian Genomics, University Medical Centre Ljubljana
Classification: Likely pathogenic for Limb pain; Muscular dystrophy; Progressive proximal muscle weakness. Last evaluated: 2015-09-15. Review status: criteria provided, single submitter. Criteria: ACMG Guidelines, 2015. Collection method: clinical testing. Allele origin: unknown. Affected: yes. Not counted in ClinVar's aggregate classification.

Counsyl
Classification: Uncertain significance for Nemaline myopathy 2. Last evaluated: 2019-06-20. Review status: no assertion criteria provided. Collection method: clinical testing. Allele origin: unknown. Not counted in ClinVar's aggregate classification.

Genome Diagnostics Laboratory, University Medical Center Utrecht
Classification: Likely pathogenic. Review status: no assertion criteria provided. Collection method: clinical testing. Allele origin: germline. Affected: yes. Study: VKGL Data-share Consensus. Not counted in ClinVar's aggregate classification.

Laboratory of Diagnostic Genome Analysis, Leiden University Medical Center (LUMC)
Classification: Likely pathogenic. Review status: no assertion criteria provided. Collection method: clinical testing. Allele origin: germline. Affected: yes. Study: VKGL Data-share Consensus. Not counted in ClinVar's aggregate classification.

Literature cited by the submitters: PubMed 25205138 (cited by Labcorp Genetics (formerly Invitae), Labcorp and Mayo Clinic Laboratories, Mayo Clinic); PubMed 40517164 (cited by Natera, Inc.); PubMed 33100332 (cited by 3 submitters); PubMed 39802796 (cited by Dasa); PubMed 31980526 (cited by Dasa and Mayo Clinic Laboratories, Mayo Clinic); PubMed 32721234 (cited by Dasa and Mayo Clinic Laboratories, Mayo Clinic); PubMed 31589614 (cited by Dasa); PubMed 38167091 (cited by Dasa).